The following is an entry in ClinVar:

ClinVar aggregate classification (germline): Pathogenic (1 of 4 stars; one submission).

Submission:

Labcorp Genetics (formerly Invitae), Labcorp
Classification: Pathogenic. Last evaluated: 2024-08-20. Review status: criteria provided, single submitter. Criteria: Invitae Variant Classification Sherloc (09022015). Collection method: clinical testing. Allele origin: germline.
Comment: This sequence change creates a premature translational stop signal (p.Gly376Serfs*5) in the EXOSC9 gene. It is expected to result in an absent or disrupted protein product. Loss-of-function variants in EXOSC9 are known to be pathogenic (PMID: 29727687, 33040083). This variant is not present in population databases (gnomAD no frequency). This variant has not been reported in the literature in individuals affected with EXOSC9-related conditions. For these reasons, this variant has been classified as Pathogenic.

Literature cited by the submitters: PubMed 29727687; PubMed 33040083.

NM_005033.3(EXOSC9):c.1125_1126del (p.Gly376fs)

Gene: EXOSC9 (exosome component 9; plus strand). Cytogenetic location: 4q27.
Variant type: Deletion.
Coding change: c.1125_1126del on transcript NM_005033.3 (MANE Select); coding-DNA positions 1125 to 1126, 2 bases deleted (TG; older notation c.1125_1126delTG).
Protein change: p.Gly376fs; shifts the reading frame from glycine 376.
Molecular consequence: frameshift variant.
Genome position (GRCh38, 1-based): chr4:121,814,016-121,814,017, TG deleted. VCF-style (leftmost placement, unchanged base first): chr4-121814015-CTG-C. GRCh37 (hg19) VCF-style: chr4-122735170-CTG-C.
Other names: c.1125_1126del, p.Gly376fs (NM_001034194.2); short protein forms G376fs.
Identifiers: ClinVar variation 3609457 (VCV003609457.2).
Genomic context (GRCh38, chr4:121,814,015, plus strand): 5'-AGGAAGATGATGAAGGCGGTGGTGATCAAGCTATCATTCTTGATGGTATAAAAATGGACA[CTG>C]GAGTAGAAGTCTCTGATATTGGAAGCCAAGGTAGGTGACACTTTATGGCACACTTACTAT-3'